The following is an entry in ClinVar:

NM_001368397.1(FRMPD4):c.3497C>G (p.Pro1166Arg)

Gene: FRMPD4 (FERM and PDZ domain containing 4; plus strand). Cytogenetic location: Xp22.2.
Variant type: single nucleotide variant.
Coding change: c.3497C>G on transcript NM_001368397.1 (MANE Select); coding-DNA position 3497, C replaced by G.
Protein change: p.Pro1166Arg; replaces proline 1166 with arginine.
Molecular consequence: missense variant.
Genome position (GRCh38, 1-based): chrX:12,718,323, C>G. VCF-style: chrX-12718323-C-G. GRCh37 (hg19) VCF-style: chrX-12736442-C-G.
Other names: c.3608C>G, p.Pro1203Arg (NM_001368395.3, NM_001368398.3); c.3503C>G, p.Pro1168Arg (NM_001368396.3); c.3488C>G, p.Pro1163Arg (NM_001368399.3); c.3377C>G, p.Pro1126Arg (NM_001368400.3); c.3473C>G, p.Pro1158Arg (NM_001368401.1, NM_001368402.3); c.3497C>G, p.Pro1166Arg (NM_014728.3); short protein forms P1126R, P1158R, P1163R, P1166R, P1168R, P1203R.
Identifiers: ClinVar variation 3339127 (VCV003339127.1).
Genomic context (GRCh38, chrX:12,718,323, plus strand): 5'-AAGGGGACCGCTTCTTAACTGACGTGACCTGTGCATCTTCAGCCAAAGACTTAGATAACC[C>G]AGAGGACGCTGACTCGTCCACCTGCGACCATCCTTCCAAGCTTCCTGAGGCTGATGAGAG-3'
Protein context (NP_001355326.1, residues 1156-1176): CASSAKDLDN[Pro1166Arg]EDADSSTCDH

ClinVar aggregate classification (germline): Uncertain significance (1 of 4 stars; one submission).

gnomAD v4.1: 1 of 1,211,112 alleles (0.000083%); highest among the groups gnomAD compares: Non-Finnish European, 0.00011%; no homozygotes.

Submission:

Women's Health and Genetics/Laboratory Corporation of America, LabCorp
Classification: Uncertain significance. Last evaluated: 2024-07-05. Review status: criteria provided, single submitter. Criteria: LabCorp Variant Classification Summary - May 2015. Collection method: clinical testing. Allele origin: germline.
Comment: Variant summary: FRMPD4 c.3497C>G (p.Pro1166Arg) results in a non-conservative amino acid change in the encoded protein sequence. Four of five in-silico tools predict a benign effect of the variant on protein function. The variant was absent in 183384 control chromosomes. The available data on variant occurrences in the general population are insufficient to allow any conclusion about variant significance. To our knowledge, no occurrence of c.3497C>G in individuals affected with X-Linked Intellectual Disability 104 and no experimental evidence demonstrating its impact on protein function have been reported. No submitters have cited clinical-significance assessments for this variant to ClinVar. Based on the evidence outlined above, the variant was classified as uncertain significance.